The following is an entry in ClinVar:

NM_001134831.2(AHI1):c.989A>G (p.Asp330Gly)

Gene: AHI1 (Abelson helper integration site 1; minus strand). Cytogenetic location: 6q23.3.
Variant type: single nucleotide variant.
Coding change: c.989A>G on transcript NM_001134831.2 (MANE Select); coding-DNA position 989, A replaced by G.
Protein change: p.Asp330Gly; replaces aspartic acid 330 with glycine.
Molecular consequence: missense variant.
Genome position (GRCh38, 1-based): chr6:135,457,656, T>C on the plus strand (A>G on the coding strand, the complement: AHI1 is on the minus strand). VCF-style: chr6-135457656-T-C. GRCh37 (hg19) VCF-style: chr6-135778794-T-C.
Other names: c.989A>G, p.Asp330Gly (NM_001134830.2, NM_001134832.2, NM_001350503.2 and 2 more transcripts); short protein forms D330G.
Identifiers: ClinVar variation 215522 (VCV000215522.52), dbSNP rs200201741, ClinGen allele CA338680.

ClinVar aggregate classification (germline): Conflicting classifications of pathogenicity. Review status: criteria provided, conflicting classifications (1 of 4 stars). 9 submissions from 9 submitters: Uncertain significance (2); Benign (1); Likely benign (5). 1 of the submissions does not count toward it. Last evaluated 2026-01-26.

Conditions:
AHI1-related disorder. Also called: AHI1-related condition.
Inborn genetic diseases. Identifiers: MedGen C0950123, MeSH D030342.
Joubert syndrome 3 (JBTS3). Also called: AHI1-related Ciliopathy. Identifiers: Orphanet 220493, MedGen C1837713, MONDO:0012078, OMIM 608629.
Joubert syndrome. Also called: JOUBERT-BOLTSHAUSER SYNDROME; Familial aplasia of the vermis. Identifiers: Orphanet 475, MedGen C5979921, MONDO:0018772.

Allele frequency attached by ClinVar (database versions not stated): 1000 Genomes Project 30x 0.00031; 1000 Genomes Project 0.00040; gnomAD 0.00041; ESP Exome Variant Server 0.00075; TOPMed 0.00080; ExAC 0.00087; gnomAD exomes 0.00087.
gnomAD v4.1: 1,941 of 1,613,930 alleles (0.12%); highest among the groups gnomAD compares: Admixed American, 0.22%; 4 homozygotes.

Submissions (11):

Labcorp Genetics (formerly Invitae), Labcorp
Classification: Benign for Joubert syndrome. Last evaluated: 2026-01-26. Review status: criteria provided, single submitter. Criteria: Invitae Variant Classification Sherloc (09022015). Collection method: clinical testing. Allele origin: germline.

Blueprint Genetics
Classification: Likely benign. Last evaluated: 2024-10-18. Review status: criteria provided, single submitter. Criteria: ACMG Guidelines, 2015. Collection method: clinical testing. Allele origin: germline.

CeGaT Center for Human Genetics Tuebingen
Classification: Likely benign. Last evaluated: 2023-02-01. Review status: criteria provided, single submitter. Criteria: CeGaT Center For Human Genetics Tuebingen Variant Classification Criteria Version 2. Collection method: clinical testing. Allele origin: germline. Affected: yes. Observed: 1 variant allele.
Comment: AHI1: BP4

Revvity Omics, Revvity
Classification: Uncertain significance for Joubert syndrome 3. Last evaluated: 2022-10-18. Review status: criteria provided, single submitter. Criteria: ACMG Guidelines, 2015. Collection method: clinical testing. Allele origin: germline.

Ambry Genetics
Classification: Likely benign for Inborn genetic diseases. Last evaluated: 2021-05-17. Review status: criteria provided, single submitter. Criteria: Ambry Variant Classification Scheme 2023. Collection method: clinical testing. Allele origin: germline.

GeneDx
Classification: Likely benign. Last evaluated: 2021-03-24. Review status: criteria provided, single submitter. Criteria: GeneDx Variant Classification Process June 2021. Collection method: clinical testing. Allele origin: germline. Affected: yes.
Comment: This variant is associated with the following publications: (PMID: 17409309, 21228398)

Illumina Laboratory Services, Illumina
Classification: Uncertain significance for Joubert syndrome 3. Last evaluated: 2017-04-27. Review status: criteria provided, single submitter. Criteria: ICSL Variant Classification Criteria 13 December 2019. Collection method: clinical testing. Allele origin: germline.
Comment: This variant was observed as part of a predisposition screen in an ostensibly healthy population. A literature search was performed for the gene, cDNA change, and amino acid change (where applicable). Publications were found based on this search. However, the evidence from the literature, in combination with allele frequency data from public databases where available, was not sufficient to rule this variant in or out of causing disease. Therefore, this variant is classified as a variant of unknown significance.

Eurofins Ntd Llc (ga)
Classification: Likely benign. Last evaluated: 2016-04-21. Review status: criteria provided, single submitter. Criteria: EGL Classification Definitions 2015. Collection method: clinical testing. Allele origin: germline. Observed: 1 variant allele, 1 heterozygote.

PreventionGenetics, part of Exact Sciences
Classification: Likely benign for AHI1-related condition. Last evaluated: 2022-03-10. Review status: no assertion criteria provided. Collection method: clinical testing. Allele origin: germline. Not counted in ClinVar's aggregate classification.
Comment: This variant is classified as likely benign based on ACMG/AMP sequence variant interpretation guidelines (Richards et al. 2015 PMID: 25741868, with internal and published modifications).

Dr. Peter K. Rogan Lab, Western University
No classification provided (evidence only). Condition: Lung cancer. Review status: no classification provided. Collection method: in vitro. Allele origin: not applicable. Functional consequence: retained intron. Not counted in ClinVar's aggregate classification.

Dr. Peter K. Rogan Lab, Western University
No classification provided (evidence only). Condition: Cholangiocarcinoma. Review status: no classification provided. Collection method: in vitro. Allele origin: not applicable. Functional consequence: retained intron. Not counted in ClinVar's aggregate classification.

Literature cited by the submitters: PubMed 21068128 (cited by Illumina Laboratory Services, Illumina); PubMed 17409309 (cited by Illumina Laboratory Services, Illumina); PubMed 22693042 (cited by Illumina Laboratory Services, Illumina).